The following is an entry in ClinVar:

ClinVar aggregate classification (germline): Uncertain significance (1 of 4 stars; one submission).

Allele frequency attached by ClinVar (database versions not stated): gnomAD exomes below 0.00001; ExAC 0.00003.
gnomAD v4.1: 6 of 1,613,880 alleles (0.00037%); highest among the groups gnomAD compares: Admixed American, 0.0083%; no homozygotes.

Submission:

Labcorp Genetics (formerly Invitae), Labcorp
Classification: Uncertain significance. Last evaluated: 2024-10-29. Review status: criteria provided, single submitter. Criteria: Invitae Variant Classification Sherloc (09022015). Collection method: clinical testing. Allele origin: germline.
Comment: This sequence change replaces phenylalanine, which is neutral and non-polar, with tyrosine, which is neutral and polar, at codon 615 of the FN1 protein (p.Phe615Tyr). This variant is present in population databases (rs781284768, gnomAD 0.02%). This variant has not been reported in the literature in individuals affected with FN1-related conditions. ClinVar contains an entry for this variant (Variation ID: 1930759). An algorithm developed to predict the effect of missense changes on protein structure and function (PolyPhen-2) suggests that this variant is likely to be tolerated. In summary, the available evidence is currently insufficient to determine the role of this variant in disease. Therefore, it has been classified as a Variant of Uncertain Significance.

NM_212482.4(FN1):c.1844T>A (p.Phe615Tyr)

Gene: FN1 (fibronectin 1; minus strand). Cytogenetic location: 2q35.
Variant type: single nucleotide variant.
Coding change: c.1844T>A on transcript NM_212482.4 (MANE Select); coding-DNA position 1844, T replaced by A.
Protein change: p.Phe615Tyr; replaces phenylalanine 615 with tyrosine.
Molecular consequence: missense variant.
Genome position (GRCh38, 1-based): chr2:215,414,934, A>T on the plus strand (T>A on the coding strand, the complement: FN1 is on the minus strand). VCF-style: chr2-215414934-A-T. GRCh37 (hg19) VCF-style: chr2-216279657-A-T.
Other names: c.1844T>A, p.Phe615Tyr (NM_001306129.2, NM_001306130.2, NM_001306131.2 and 14 more transcripts); short protein forms F615Y.
Identifiers: ClinVar variation 1930759 (VCV001930759.5), dbSNP rs781284768, ClinGen allele CA2095145.